The following is an entry in ClinVar:

NM_021619.3(PRDM12):c.980G>C (p.Ser327Thr)

Gene: PRDM12 (PR/SET domain 12; plus strand). Cytogenetic location: 9q34.12.
Variant type: single nucleotide variant.
Coding change: c.980G>C on transcript NM_021619.3 (MANE Select); coding-DNA position 980, G replaced by C.
Protein change: p.Ser327Thr; replaces serine 327 with threonine.
Molecular consequence: missense variant.
Genome position (GRCh38, 1-based): chr9:130,681,545, G>C. VCF-style: chr9-130681545-G-C. GRCh37 (hg19) VCF-style: chr9-133556932-G-C.
Other names: p.Ser327Thr; short protein forms S327T.
Identifiers: ClinVar variation 1605019 (VCV001605019.12), dbSNP rs747995562, ClinGen allele CA5284679.

ClinVar aggregate classification (germline): Conflicting classifications of pathogenicity. Review status: criteria provided, conflicting classifications (1 of 4 stars). 4 submissions from 4 submitters: Uncertain significance (1); Likely benign (3). Last evaluated 2026-04-24.

Conditions:
Congenital insensitivity to pain-hypohidrosis syndrome. Also called: HSAN VIII; Neuropathy, hereditary sensory and autonomic, type VIII. Identifiers: Orphanet 478664, MedGen C4225308, MONDO:0014662, OMIM 616488.
Inborn genetic diseases. Identifiers: MedGen C0950123, MeSH D030342.
PRDM12-related disorder. Also called: PRDM12-related condition.

Allele frequency attached by ClinVar (database versions not stated): gnomAD exomes 0.00005; 1000 Genomes Project 30x 0.00031; gnomAD 0.00042 and 0.00043; TOPMed 0.00057.
gnomAD v4.1: 120 of 1,266,646 alleles (0.0095%); highest among the groups gnomAD compares: African/African-American, 0.14%; 1 homozygote.

Submissions (4):

PreventionGenetics, part of Exact Sciences
Classification: Likely benign for PRDM12-related condition. Last evaluated: 2026-04-24. Review status: criteria provided, single submitter. Criteria: ACMG Guidelines, 2015. Collection method: clinical testing. Allele origin: germline.
Comment: This variant is classified as likely benign based on ACMG/AMP sequence variant interpretation guidelines (Richards et al. 2015 PMID: 25741868, with internal and published modifications).

Labcorp Genetics (formerly Invitae), Labcorp
Classification: Likely benign for Congenital insensitivity to pain-hypohidrosis syndrome. Last evaluated: 2025-10-08. Review status: criteria provided, single submitter. Criteria: Invitae Variant Classification Sherloc (09022015). Collection method: clinical testing. Allele origin: germline.

Mayo Clinic Laboratories, Mayo Clinic
Classification: Likely benign. Last evaluated: 2024-10-24. Review status: criteria provided, single submitter. Criteria: ACMG Guidelines, 2015. Collection method: clinical testing. Allele origin: germline. Observed: 1 variant allele.
Comment: BS1, BP4

Ambry Genetics
Classification: Uncertain significance for Inborn genetic diseases. Last evaluated: 2023-10-06. Review status: criteria provided, single submitter. Criteria: Ambry Variant Classification Scheme 2023. Collection method: clinical testing. Allele origin: germline.